The following is an entry in ClinVar:

ClinVar aggregate classification (germline): Uncertain significance (1 of 4 stars; one submission).

Conditions:
H syndrome. Also called: Histiocytosis with joint contractures and sensorineural deafness; Asrar Facharzt Haque syndrome; HISTIOCYTOSIS AND LYMPHADENOPATHY WITH OR WITHOUT CUTANEOUS, CARDIAC, AND/OR ENDOCRINE FEATURES, JOINT CONTRACTURES, AND/OR DEAFNESS; HYPERPIGMENTATION, CUTANEOUS, WITH HYPERTRICHOSIS, HEPATOSPLENOMEGALY, HEART ANOMALIES, AND HYPOGONADISM WITH OR WITHOUT HEARING LOSS; PIGMENTED HYPERTRICHOSIS WITH INSULIN-DEPENDENT DIABETES MELLITUS; ROSAI-DORFMAN DISEASE, FAMILIAL. Identifiers: Orphanet 168569, MedGen C1864445, MONDO:0011273, OMIM 602782.

gnomAD v4.1: 1 of 1,614,116 alleles (0.000062%); highest among the groups gnomAD compares: Non-Finnish European, 0.000085%; no homozygotes.

Submission:

Labcorp Genetics (formerly Invitae), Labcorp
Classification: Uncertain significance for H syndrome. Last evaluated: 2022-04-30. Review status: criteria provided, single submitter. Criteria: Invitae Variant Classification Sherloc (09022015). Collection method: clinical testing. Allele origin: germline.
Comment: In summary, the available evidence is currently insufficient to determine the role of this variant in disease. Therefore, it has been classified as a Variant of Uncertain Significance. Algorithms developed to predict the effect of missense changes on protein structure and function (SIFT, PolyPhen-2, Align-GVGD) all suggest that this variant is likely to be tolerated. ClinVar contains an entry for this variant (Variation ID: 1020221). This variant has not been reported in the literature in individuals affected with SLC29A3-related conditions. This variant is not present in population databases (gnomAD no frequency). This sequence change replaces glycine, which is neutral and non-polar, with alanine, which is neutral and non-polar, at codon 381 of the SLC29A3 protein (p.Gly381Ala).

NM_018344.6(SLC29A3):c.1142G>C (p.Gly381Ala)

Gene: SLC29A3 (solute carrier family 29 member 3; plus strand). Cytogenetic location: 10q22.1.
Variant type: single nucleotide variant.
Coding change: c.1142G>C on transcript NM_018344.6 (MANE Select); coding-DNA position 1142, G replaced by C.
Protein change: p.Gly381Ala; replaces glycine 381 with alanine.
Molecular consequence: missense variant. On other transcripts: 3 prime UTR variant (1), non-coding transcript variant (2).
Genome position (GRCh38, 1-based): chr10:71,362,322, G>C. VCF-style: chr10-71362322-G-C. GRCh37 (hg19) VCF-style: chr10-73122079-G-C.
Other names: c.*371G>C (NM_001174098.2); c.908G>C, p.Gly303Ala (NM_001363518.2); short protein forms G303A, G381A.
Identifiers: ClinVar variation 1020221 (VCV001020221.10), dbSNP rs1835368591, ClinGen allele CA377116916.